The following is an entry in ClinVar:

ClinVar aggregate classification (germline): Uncertain significance (0 of 4 stars; one submission).

Conditions:
FANCA-related disorder. Also called: FANCA-related condition.

Submission:

PreventionGenetics, part of Exact Sciences
Classification: Uncertain significance for FANCA-related condition. Last evaluated: 2024-08-21. Review status: no assertion criteria provided. Collection method: clinical testing. Allele origin: germline.
Comment: The FANCA c.1360-3C>T variant is predicted to interfere with splicing. To our knowledge, this variant has not been reported in the literature or in a large population database, indicating this variant is rare. This variant is predicted to affect a nearby canonical splice site according to an in silico splicing algorithm (SpliceAI, Jaganathan K, et al. 2019. PubMed ID: 30661751). However, the use of computer prediction programs is not equivalent to functional evidence. At this time, the clinical significance of this variant is uncertain due to the absence of conclusive functional and genetic evidence.

NM_000135.4(FANCA):c.1360-3C>T

Gene: FANCA (FA complementation group A; minus strand). Cytogenetic location: 16q24.3.
Variant type: single nucleotide variant.
Coding change: c.1360-3C>T on transcript NM_000135.4 (MANE Select); 3 bases into the intron before coding-DNA position 1360, C replaced by T.
Molecular consequence: intron variant.
Genome position (GRCh38, 1-based): chr16:89,784,967, G>A on the plus strand (C>T on the coding strand, the complement: FANCA is on the minus strand). VCF-style: chr16-89784967-G-A. GRCh37 (hg19) VCF-style: chr16-89851375-G-A.
Other names: c.1360-3C>T (NM_001286167.3).
Identifiers: ClinVar variation 3347914 (VCV003347914.1).